The following is an entry in ClinVar:

NM_007294.4(BRCA1):c.4073A>G (p.Glu1358Gly)

Genes: BRCA1 (BRCA1 DNA repair associated; minus strand), LOC126862571 (BRD4-independent group 4 enhancer GRCh37_chr17:41243136-41244335; plus strand). Cytogenetic location: 17q21.31.
Variant type: single nucleotide variant.
Coding change: c.4073A>G on transcript NM_007294.4 (MANE Select); coding-DNA position 4073, A replaced by G.
Protein change: p.Glu1358Gly; replaces glutamic acid 1358 with glycine.
Molecular consequence: missense variant. On other transcripts: intron variant (135).
Genome position (GRCh38, 1-based): chr17:43,091,458, T>C on the plus strand (A>G on the coding strand, the complement: BRCA1 is on the minus strand). VCF-style: chr17-43091458-T-C. GRCh37 (hg19) VCF-style: chr17-41243475-T-C.
Other names: c.4070A>G, p.Glu1357Gly (NM_001407644.1, NM_001407645.1, NM_001407860.1 and 22 more transcripts); c.4064A>G, p.Glu1355Gly (NM_001407646.1, NM_001407647.1); c.3950A>G, p.Glu1317Gly (NM_001407648.1, NM_001407664.1, NM_001407665.1 and 19 more transcripts); c.3947A>G, p.Glu1316Gly (NM_001407649.1, NM_001407670.1, NM_001407671.1 and 11 more transcripts); c.4073A>G, p.Glu1358Gly (NM_001407652.1, NM_001407684.1, NM_001407854.1 and 30 more transcripts); c.3995A>G, p.Glu1332Gly (NM_001407653.1, NM_001407654.1, NM_001407655.1 and 4 more transcripts); c.3992A>G, p.Glu1331Gly (NM_001407659.1, NM_001407660.1, NM_001407661.1 and 1 more transcripts); c.3932A>G, p.Glu1311Gly (NM_001407692.1, NM_001407694.1, NM_001407695.1 and 29 more transcripts); and 41 more; short protein forms E1358G, E1311G, E1230G, E1247G, E1269G, E1062G, E1190G, E1231G.
Identifiers: ClinVar variation 37562 (VCV000037562.29), dbSNP rs397507225, ClinGen allele CA002603.
Genomic context (GRCh38, chr17:43,091,458, plus strand): 5'-ATAGACTGGGGCAAACACAAAAACCTGGTTCCAATACCTAAGTTTGAATCCATGCTTTGC[T>C]CTTCTTGATTATTTTCTTCCAAGCCCGTTCCTCTTTCTTCATCATCTGAAACCAATTCCT-3'
Protein context (NP_009225.1, residues 1348-1368): GTGLEENNQE[Glu1358Gly]QSMDSNLGEA

ClinVar aggregate classification (germline): Conflicting classifications of pathogenicity. Review status: criteria provided, conflicting classifications (1 of 4 stars). 13 submissions from 13 submitters: Uncertain significance (8); Likely benign (2). 3 of the submissions do not count toward it. Last evaluated 2025-09-17.

Conditions:
Hereditary cancer-predisposing syndrome. Also called: Tumor predisposition; Neoplastic Syndromes, Hereditary; Hereditary Cancer Syndrome; Hereditary neoplastic syndrome. Identifiers: Orphanet 140162, MedGen C0027672, MeSH D009386, MONDO:0015356.
Hereditary breast ovarian cancer syndrome. Also called: Hereditary breast and ovarian cancer syndrome (HBOC); Hereditary breast and ovarian cancer syndrome; Hereditary breast and ovarian cancer; Hereditary breast and/or ovarian cancer syndrome; Breast and ovarian cancer; BRCA1- and BRCA2-Associated Hereditary Breast and Ovarian Cancer. Identifiers: Orphanet 145, MedGen C0677776, MeSH D061325, MONDO:0003582. Disease mechanism: loss of function.
Breast-ovarian cancer, familial, susceptibility to, 1 (BROVCA1). Also called: OVARIAN CANCER, SUSCEPTIBILITY TO; BRCA1 Hereditary Breast and Ovarian Cancer. Identifiers: Orphanet 145, MedGen C2676676, MONDO:0011450, OMIM 604370. Disease mechanism: loss of function.

Allele frequency attached by ClinVar (database versions not stated): gnomAD exomes below 0.00001; ExAC 0.00001; gnomAD 0.00001.
gnomAD v4.1: 4 of 1,613,552 alleles (0.00025%); highest among the groups gnomAD compares: Non-Finnish European, 0.00034%; no homozygotes.

Submissions (13):

Color Diagnostics, LLC DBA Color Health
Classification: Uncertain significance for Hereditary cancer-predisposing syndrome. Last evaluated: 2025-09-17. Review status: criteria provided, single submitter. Criteria: ACMG Guidelines, 2015. Collection method: clinical testing. Allele origin: germline.
Comment: This missense variant replaces glutamic acid with glycine at codon 1358 of the BRCA1 protein. Computational prediction suggests that this variant may not impact protein structure and function. To our knowledge, functional studies have not been reported for this variant. This variant has been reported in suspected hereditary breast and ovarian cancer families (PMID: 34981296) and it also has been detected in a breast cancer case-control meta-analysis in 0/60466 cases and 2/53461 unaffected individuals (PMID: 33471991Leiden Open Variation Database DB-ID BRCA1_005952). This variant has been identified in 1/250766 chromosomes in the general population by the Genome Aggregation Database (gnomAD). The available evidence is insufficient to determine the role of this variant in disease conclusively. Therefore, this variant is classified as a Variant of Uncertain Significance.

Myriad Genetics, Inc.
Classification: Likely benign for Breast-ovarian cancer, familial, susceptibility to, 1. Last evaluated: 2025-05-29. Review status: criteria provided, single submitter. Criteria: Myriad Autosomal Dominant, Autosomal Recessive and X-Linked Classification Criteria (2023). Collection method: clinical testing. Allele origin: unknown.
Comment: This variant is considered likely benign. This variant is strongly associated with less severe personal and family histories of cancer, typical for individuals without pathogenic variants in this gene [PMID: 25085752].

Quest Diagnostics Nichols Institute San Juan Capistrano
Classification: Uncertain significance. Last evaluated: 2024-09-13. Review status: criteria provided, single submitter. Criteria: Quest Diagnostics criteria. Collection method: clinical testing. Allele origin: unknown.
Comment: The BRCA1 c.4073A>G (p.Glu1358Gly) variant has been reported in the published literature in a family at risk for breast and/or ovarian cancer (PMID: 34981296 (2022)). This variant has also been identified in reportedly healthy individuals in a large-scale breast cancer association study (PMID: 33471991 (2021), see also LOVD). The frequency of this variant in the general population, 0.000004 (1/250766 chromosomes (Genome Aggregation Database)), is uninformative in the assessment of its pathogenicity. Analysis of this variant using bioinformatics tools for the prediction of the effect of amino acid changes on protein structure and function yielded predictions that this variant is benign. Based on the available information, we are unable to determine the clinical significance of this variant.

Ambry Genetics
Classification: Uncertain significance for Hereditary cancer-predisposing syndrome. Last evaluated: 2024-02-27. Review status: criteria provided, single submitter. Criteria: Ambry Variant Classification Scheme 2023. Collection method: clinical testing. Allele origin: germline.
Comment: The p.E1358G variant (also known as c.4073A>G), located in coding exon 9 of the BRCA1 gene, results from an A to G substitution at nucleotide position 4073. The glutamic acid at codon 1358 is replaced by glycine, an amino acid with similar properties. This amino acid position is not well conserved in available vertebrate species. In addition, the in silico prediction for this alteration is inconclusive. Based on the available evidence, the clinical significance of this alteration remains unclear.

University of Washington Department of Laboratory Medicine, University of Washington
Classification: Likely benign for Hereditary cancer-predisposing syndrome. Last evaluated: 2023-03-23. Review status: criteria provided, single submitter. Criteria: Dines et al. (Genet Med. 2020). Collection method: curation. Allele origin: germline.
Comment: Missense variant in a coldspot region where missense variants are very unlikely to be pathogenic (PMID:31911673).

BRCA1 coldspot (exon 11 using historical exon numbering). Reclassification based on statistical prior probability

Labcorp Genetics (formerly Invitae), Labcorp
Classification: Uncertain significance for Hereditary breast ovarian cancer syndrome. Last evaluated: 2022-12-11. Review status: criteria provided, single submitter. Criteria: Invitae Variant Classification Sherloc (09022015). Collection method: clinical testing. Allele origin: germline.
Comment: This sequence change replaces glutamic acid, which is acidic and polar, with glycine, which is neutral and non-polar, at codon 1358 of the BRCA1 protein (p.Glu1358Gly). This variant is present in population databases (rs397507225, gnomAD 0.0009%). This variant has not been reported in the literature in individuals affected with BRCA1-related conditions. ClinVar contains an entry for this variant (Variation ID: 37562). Advanced modeling of protein sequence and biophysical properties (such as structural, functional, and spatial information, amino acid conservation, physicochemical variation, residue mobility, and thermodynamic stability) performed at Invitae indicates that this missense variant is not expected to disrupt BRCA1 protein function. In summary, the available evidence is currently insufficient to determine the role of this variant in disease. Therefore, it has been classified as a Variant of Uncertain Significance.

Mendelics
Classification: Uncertain significance. Last evaluated: 2022-05-04. Review status: criteria provided, single submitter. Criteria: Mendelics Assertion Criteria 2019. Collection method: clinical testing. Allele origin: germline.

Women's Health and Genetics/Laboratory Corporation of America, LabCorp
Classification: Uncertain significance. Last evaluated: 2018-10-22. Review status: criteria provided, single submitter. Criteria: LabCorp Variant Classification Summary - May 2015. Collection method: clinical testing. Allele origin: germline.
Comment: Variant summary: BRCA1 c.4073A>G (p.Glu1358Gly) results in a non-conservative amino acid change in the encoded protein sequence. Three of five in-silico tools predict a benign effect of the variant on protein function. The variant allele was found at a frequency of 4.1e-06 in 245614 control chromosomes (gnomAD). The available data on variant occurrences in the general population are insufficient to allow any conclusion about variant significance. To our knowledge, no occurrence of c.4073A>G in individuals affected with Hereditary Breast and Ovarian Cancer and no experimental evidence demonstrating its impact on protein function have been reported. Five ClinVar submissions from clinical diagnostic laboratories (evaluation after 2014) cite the variant as uncertain significance. Based on the evidence outlined above, the variant was classified as uncertain significance.

Department of Pathology and Molecular Medicine, Queen's University
Classification: Uncertain significance. Last evaluated: 2017-04-20. Review status: criteria provided, single submitter. Criteria: ACMG Guidelines, 2015. Collection method: clinical testing. Allele origin: germline. Study: The Canadian Open Genetics Repository (COGR).

GeneDx
Classification: Uncertain significance. Last evaluated: 2016-06-08. Review status: criteria provided, single submitter. Criteria: GeneDx Variant Classification (06012015). Collection method: clinical testing. Allele origin: germline. Affected: yes.
Comment: This variant is denoted BRCA1 c.4073A>G at the cDNA level, p.Glu1358Gly (E1358G) at the protein level, and results in the change of a Glutamic Acid to a Glycine (GAG>GGG). Using alternate nomenclature, this variant would be defined as BRCA1 4192A>G. This variant has not, to our knowledge, been published in the literature as pathogenic or benign. BRCA1 Glu1358Gly was not observed in approximately 6,500 individuals of European and African American ancestry in the NHLBI Exome Sequencing Project, suggesting it is not a common benign variant in these populations. Since Glutamic Acid and Glycine differ in polarity, charge, size or other properties, this is considered a non-conservative amino acid substitution. BRCA1 Glu1358Gly occurs at a position that is not conserved and is located in the SCD domain and within the BRCA2, ATM, CHK2 and CDK2 binding domains (Chen 1998, Narod 2004, Clark 2012). In silico analyses are inconsistent regarding the effect this variant may have on protein structure and function. Based on currently available evidence, it is unclear whether BRCA1 Glu1358Gly is a pathogenic or benign variant. We consider it to be a variant of uncertain significance.

BRCAlab, Lund University
Classification: Uncertain significance for Breast-ovarian cancer, familial, susceptibility to, 1. Last evaluated: 2020-03-02. Review status: no assertion criteria provided. Collection method: clinical testing. Allele origin: germline. Affected: yes. Not counted in ClinVar's aggregate classification.

Counsyl
Classification: Uncertain significance for Breast-ovarian cancer, familial, susceptibility to, 1. Last evaluated: 2015-12-23. Review status: no assertion criteria provided. Collection method: clinical testing. Allele origin: unknown. Not counted in ClinVar's aggregate classification.

Sharing Clinical Reports Project (SCRP)
Classification: Uncertain significance for Breast-ovarian cancer, familial 1. Last evaluated: 2007-09-24. Review status: no assertion criteria provided. Collection method: clinical testing. Allele origin: germline. Not counted in ClinVar's aggregate classification.

Literature cited by the submitters: PubMed 33471991 (cited by Color Diagnostics, LLC DBA Color Health and Quest Diagnostics Nichols Institute San Juan Capistrano); PubMed 34981296 (cited by Color Diagnostics, LLC DBA Color Health and Quest Diagnostics Nichols Institute San Juan Capistrano); PubMed 25085752 (cited by Myriad Genetics, Inc.); PubMed 33087888 (cited by Quest Diagnostics Nichols Institute San Juan Capistrano); PubMed 36922933 (cited by Quest Diagnostics Nichols Institute San Juan Capistrano).